The following is an entry in ClinVar:

NM_000071.3(CBS):c.1398G>A (p.Ser466=)

Gene: CBS (cystathionine beta-synthase; minus strand). Cytogenetic location: 21q22.3.
Variant type: single nucleotide variant.
Coding change: c.1398G>A on transcript NM_000071.3 (MANE Select); coding-DNA position 1398, G replaced by A.
Protein change: p.Ser466=; no amino-acid change (serine 466 retained).
Molecular consequence: synonymous variant.
Genome position (GRCh38, 1-based): chr21:43,058,214, C>T on the plus strand (G>A on the coding strand, the complement: CBS is on the minus strand). VCF-style: chr21-43058214-C-T. GRCh37 (hg19) VCF-style: chr21-44478324-C-T.
Other names: c.1398G>A, p.Ser466= (NM_001178008.3, NM_001178009.3, NM_001320298.2); c.1083G>A, p.Ser361= (NM_001321072.1).
Identifiers: ClinVar variation 668673 (VCV000668673.11), dbSNP rs766199408, ClinGen allele CA321687469.

ClinVar aggregate classification (germline): Likely benign. Review status: criteria provided, multiple submitters, no conflicts (2 of 4 stars). 2 submissions from 2 submitters: Likely benign (2). Last evaluated 2024-03-15.

Conditions:
HYPERHOMOCYSTEINEMIA, THROMBOTIC, CBS-RELATED. Identifiers: MedGen C3150344, OMIM 236200.

Allele frequency attached by ClinVar (database versions not stated): ExAC 0.00001; gnomAD exomes 0.00001.

Submissions (2):

Labcorp Genetics (formerly Invitae), Labcorp
Classification: Likely benign for HYPERHOMOCYSTEINEMIA, THROMBOTIC, CBS-RELATED. Last evaluated: 2024-03-15. Review status: criteria provided, single submitter. Criteria: Invitae Variant Classification Sherloc (09022015). Collection method: clinical testing. Allele origin: germline.

GeneDx
Classification: Likely benign. Last evaluated: 2018-05-22. Review status: criteria provided, single submitter. Criteria: GeneDx Variant Classification (06012015). Collection method: clinical testing. Allele origin: germline. Affected: yes.
Comment: This variant is considered likely benign or benign based on one or more of the following criteria: it is a conservative change, it occurs at a poorly conserved position in the protein, it is predicted to be benign by multiple in silico algorithms, and/or has population frequency not consistent with disease.